The following is an entry in ClinVar:

NM_003680.4(YARS1):c.652T>C (p.Leu218=)

Gene: YARS1 (tyrosyl-tRNA synthetase 1; minus strand). Cytogenetic location: 1p35.1.
Variant type: single nucleotide variant.
Coding change: c.652T>C on transcript NM_003680.4 (MANE Select); coding-DNA position 652, T replaced by C.
Protein change: p.Leu218=; no amino-acid change (leucine 218 retained).
Molecular consequence: synonymous variant.
Genome position (GRCh38, 1-based): chr1:32,791,194, A>G on the plus strand (T>C on the coding strand, the complement: YARS1 is on the minus strand). VCF-style: chr1-32791194-A-G. GRCh37 (hg19) VCF-style: chr1-33256795-A-G.
Identifiers: ClinVar variation 2638614 (VCV002638614.24), dbSNP rs2523383709, ClinGen allele CA417066378.

ClinVar aggregate classification (germline): Likely benign (1 of 4 stars; one submission).

Submission:

CeGaT Center for Human Genetics Tuebingen
Classification: Likely benign. Last evaluated: 2023-06-01. Review status: criteria provided, single submitter. Criteria: CeGaT Center For Human Genetics Tuebingen Variant Classification Criteria Version 2. Collection method: clinical testing. Allele origin: germline. Affected: yes. Observed: 1 variant allele.
Comment: YARS1: PM2:Supporting, BP4, BP7